The following is an entry in ClinVar:

NM_177924.5(ASAH1):c.649-2A>T

Gene: ASAH1 (N-acylsphingosine amidohydrolase 1; minus strand). Cytogenetic location: 8p22.
Variant type: single nucleotide variant.
Coding change: c.649-2A>T on transcript NM_177924.5 (MANE Select); the canonical splice acceptor site of the intron before coding-DNA position 649, A replaced by T.
Molecular consequence: splice acceptor variant.
Genome position (GRCh38, 1-based): chr8:18,061,742, T>A on the plus strand (A>T on the coding strand, the complement: ASAH1 is on the minus strand). VCF-style: chr8-18061742-T-A. GRCh37 (hg19) VCF-style: chr8-17919251-T-A.
Other names: c.697-2A>T (NM_004315.6); c.631-2A>T (NM_001127505.3); c.454-2A>T (NM_001363743.2).
Identifiers: ClinVar variation 2810827 (VCV002810827.3), dbSNP rs113532166, ClinGen allele CA173141761.

ClinVar aggregate classification (germline): Likely pathogenic (1 of 4 stars; one submission).

Submission:

Labcorp Genetics (formerly Invitae), Labcorp
Classification: Likely pathogenic. Last evaluated: 2022-10-30. Review status: criteria provided, single submitter. Criteria: Invitae Variant Classification Sherloc (09022015). Collection method: clinical testing. Allele origin: germline.
Comment: This sequence change affects an acceptor splice site in intron 8 of the ASAH1 gene. It is expected to disrupt RNA splicing. Variants that disrupt the donor or acceptor splice site typically lead to a loss of protein function (PMID: 16199547), and loss-of-function variants in ASAH1 are known to be pathogenic (PMID: 24164096, 24355074). In summary, the currently available evidence indicates that the variant is pathogenic, but additional data are needed to prove that conclusively. Therefore, this variant has been classified as Likely Pathogenic. Algorithms developed to predict the effect of sequence changes on RNA splicing suggest that this variant may disrupt the consensus splice site. This variant has not been reported in the literature in individuals affected with ASAH1-related conditions. This variant is not present in population databases (gnomAD no frequency).

Literature cited by the submitters: PubMed 16199547; PubMed 24164096; PubMed 24355074.